The following is an entry in ClinVar:

ClinVar aggregate classification (germline): Uncertain significance. Review status: criteria provided, multiple submitters, no conflicts (2 of 4 stars). 2 submissions from 2 submitters: Uncertain significance (2). Last evaluated 2025-10-23.

Conditions:
Hereditary cancer-predisposing syndrome. Also called: Tumor predisposition; Hereditary neoplastic syndrome; Neoplastic Syndromes, Hereditary; Hereditary Cancer Syndrome. Identifiers: Orphanet 140162, MedGen C0027672, MeSH D009386, MONDO:0015356.
Gorlin syndrome. Also called: Nevoid Basal Cell Carcinoma Syndrome; Basal cell nevus syndrome. Identifiers: Orphanet 377, MedGen C0004779, MONDO:0007187.

gnomAD v4.1: 4 of 1,554,294 alleles (0.00026%); highest among the groups gnomAD compares: Non-Finnish European, 0.00026%; no homozygotes.

Submissions (2):

Ambry Genetics
Classification: Uncertain significance for Hereditary cancer-predisposing syndrome. Last evaluated: 2025-10-23. Review status: criteria provided, single submitter. Criteria: Ambry Variant Classification Scheme 2023. Collection method: clinical testing. Allele origin: germline.
Comment: The p.R1192L variant (also known as c.3575G>T), located in coding exon 22 of the PTCH1 gene, results from a G to T substitution at nucleotide position 3575. The arginine at codon 1192 is replaced by leucine, an amino acid with dissimilar properties. This alteration has been reported in an individual from a cohort of 1191 cancer index patients who underwent clinical evaluation and testing with multigene panels (Chan GHJ et al. Oncotarget, 2018 Jul;9:30649-30660). This amino acid position is highly conserved in available vertebrate species. In addition, the in silico prediction for this alteration is inconclusive. Since supporting evidence is limited at this time, the clinical significance of this alteration remains unclear.

Labcorp Genetics (formerly Invitae), Labcorp
Classification: Uncertain significance for Gorlin syndrome. Last evaluated: 2024-04-05. Review status: criteria provided, single submitter. Criteria: Invitae Variant Classification Sherloc (09022015). Collection method: clinical testing. Allele origin: germline.
Comment: This sequence change replaces arginine, which is basic and polar, with leucine, which is neutral and non-polar, at codon 1192 of the PTCH1 protein (p.Arg1192Leu). This variant is not present in population databases (gnomAD no frequency). This variant has not been reported in the literature in individuals affected with PTCH1-related conditions. ClinVar contains an entry for this variant (Variation ID: 220033). Advanced modeling of protein sequence and biophysical properties (such as structural, functional, and spatial information, amino acid conservation, physicochemical variation, residue mobility, and thermodynamic stability) performed at Invitae indicates that this missense variant is not expected to disrupt PTCH1 protein function with a negative predictive value of 95%. In summary, the available evidence is currently insufficient to determine the role of this variant in disease. Therefore, it has been classified as a Variant of Uncertain Significance.

Literature cited by the submitters: PubMed 30093976 (cited by Ambry Genetics).

NM_000264.5(PTCH1):c.3575G>T (p.Arg1192Leu)

Gene: PTCH1 (patched 1; minus strand). Cytogenetic location: 9q22.32.
Variant type: single nucleotide variant.
Coding change: c.3575G>T on transcript NM_000264.5 (MANE Select); coding-DNA position 3575, G replaced by T.
Protein change: p.Arg1192Leu; replaces arginine 1192 with leucine.
Molecular consequence: missense variant. On other transcripts: non-coding transcript variant (1).
Genome position (GRCh38, 1-based): chr9:95,449,298, C>A on the plus strand (G>T on the coding strand, the complement: PTCH1 is on the minus strand). VCF-style: chr9-95449298-C-A. GRCh37 (hg19) VCF-style: chr9-98211580-C-A.
Other names: c.3377G>T, p.Arg1126Leu (NM_001083602.3); c.3572G>T, p.Arg1191Leu (NM_001083603.3); c.3122G>T, p.Arg1041Leu (NM_001083604.3, NM_001083605.3, NM_001083606.3 and 1 more transcripts); c.3419G>T, p.Arg1140Leu (NM_001354918.2); short protein forms R1126L, R1192L, R1041L, R1140L, R1191L.
Identifiers: ClinVar variation 220033 (VCV000220033.12), dbSNP rs762040036, ClinGen allele CA348433.